The following is an entry in ClinVar:

NM_000256.3(MYBPC3):c.2584C>T (p.Gln862Ter)

Gene: MYBPC3 (myosin binding protein C3; minus strand). Cytogenetic location: 11p11.2.
Variant type: single nucleotide variant.
Coding change: c.2584C>T on transcript NM_000256.3 (MANE Select); coding-DNA position 2584, C replaced by T.
Protein change: p.Gln862Ter; replaces glutamine 862 with a stop codon.
Molecular consequence: nonsense.
Genome position (GRCh38, 1-based): chr11:47,337,409, G>A on the plus strand (C>T on the coding strand, the complement: MYBPC3 is on the minus strand). VCF-style: chr11-47337409-G-A. GRCh37 (hg19) VCF-style: chr11-47358960-G-A.
Other names: short protein forms Q862*.
Identifiers: ClinVar variation 2448101 (VCV002448101.6), dbSNP rs1400905582, ClinGen allele CA380318053.

ClinVar aggregate classification (germline): Pathogenic. Review status: criteria provided, multiple submitters, no conflicts (2 of 4 stars). 3 submissions from 3 submitters: Pathogenic (3). Last evaluated 2024-09-06.

Conditions:
Hypertrophic cardiomyopathy. Also called: HYPERTROPHIC MYOCARDIOPATHY. Identifiers: Orphanet 217569, MedGen C0007194, MeSH D002312, MONDO:0005045, HP:0001639.
Cardiovascular phenotype. Identifiers: MedGen CN230736.

Allele frequency attached by ClinVar (database versions not stated): gnomAD 0.00001.

Submissions (3):

Labcorp Genetics (formerly Invitae), Labcorp
Classification: Pathogenic for Hypertrophic cardiomyopathy. Last evaluated: 2024-09-06. Review status: criteria provided, single submitter. Criteria: Invitae Variant Classification Sherloc (09022015). Collection method: clinical testing. Allele origin: germline.
Comment: This sequence change creates a premature translational stop signal (p.Gln862*) in the MYBPC3 gene. It is expected to result in an absent or disrupted protein product. Loss-of-function variants in MYBPC3 are known to be pathogenic (PMID: 19574547). This variant is not present in population databases (gnomAD no frequency). This premature translational stop signal has been observed in individual(s) with hypertrophic cardiomyopathy (PMID: 27532257). ClinVar contains an entry for this variant (Variation ID: 2448101). For these reasons, this variant has been classified as Pathogenic.

Ambry Genetics
Classification: Pathogenic for Cardiovascular phenotype. Last evaluated: 2023-01-13. Review status: criteria provided, single submitter. Criteria: Ambry Variant Classification Scheme 2023. Collection method: clinical testing. Allele origin: germline.
Comment: The p.Q862* pathogenic mutation (also known as c.2584C>T), located in coding exon 25 of the MYBPC3 gene, results from a C to T substitution at nucleotide position 2584. This changes the amino acid from a glutamine to a stop codon within coding exon 25. This variant has been detected in a cohort referred for hypertrophic cardiomyopathy genetic testing (Walsh R et al. Genet Med, 2017 Feb;19:192-203). This alteration is expected to result in loss of function by premature protein truncation or nonsense-mediated mRNA decay. As such, this alteration is interpreted as a disease-causing mutation.

Clinical Genetics Laboratory, Skane University Hospital Lund
Classification: Pathogenic. Last evaluated: 2022-09-13. Review status: criteria provided, single submitter. Criteria: ACMG Guidelines, 2015. Collection method: clinical testing. Allele origin: germline. Affected: yes.

Literature cited by the submitters: PubMed 19574547 (cited by Labcorp Genetics (formerly Invitae), Labcorp); PubMed 27532257 (cited by Labcorp Genetics (formerly Invitae), Labcorp and Ambry Genetics).